The following is an entry in ClinVar:

ClinVar aggregate classification (germline): Likely benign. Review status: criteria provided, multiple submitters, no conflicts (2 of 4 stars). 3 submissions from 3 submitters: Likely benign (3). Last evaluated 2026-01-13.

Conditions:
Cardiomyopathy (CMYO). Also called: Cardiomyopathies. Identifiers: Orphanet 167848, MedGen C0878544, MONDO:0004994, HP:0001638. Inheritance: Various modes of inheritance.
Hypertrophic cardiomyopathy. Also called: HYPERTROPHIC MYOCARDIOPATHY. Identifiers: Orphanet 217569, MedGen C0007194, MeSH D002312, MONDO:0005045, HP:0001639.

Allele frequency attached by ClinVar (database versions not stated): gnomAD 0.00001; gnomAD exomes 0.00001; TOPMed 0.00001; ExAC 0.00004.
gnomAD v4.1: 16 of 1,571,234 alleles (0.001%); highest among the groups gnomAD compares: East Asian, 0.038%; no homozygotes.

Submissions (3):

Labcorp Genetics (formerly Invitae), Labcorp
Classification: Likely benign for Hypertrophic cardiomyopathy. Last evaluated: 2026-01-13. Review status: criteria provided, single submitter. Criteria: Invitae Variant Classification Sherloc (09022015). Collection method: clinical testing. Allele origin: germline.

All of Us Research Program, National Institutes of Health
Classification: Likely benign for Hypertrophic cardiomyopathy. Last evaluated: 2024-01-11. Review status: criteria provided, single submitter. Criteria: ACMG Guidelines, 2015. Collection method: clinical testing. Allele origin: germline. Inheritance: Autosomal dominant inheritance. Observed: 3 variant alleles, 3 heterozygotes.
Comment: This study involves interpretation of variants in research participants for the purpose of population health screening. Participant phenotype was not available at the time of variant classification. Additional details can be found in publication PMID: 35346344, PMCID: PMC8962531

Color Diagnostics, LLC DBA Color Health
Classification: Likely benign for Cardiomyopathy. Last evaluated: 2019-02-08. Review status: criteria provided, single submitter. Criteria: ACMG Guidelines, 2015. Collection method: clinical testing. Allele origin: germline.

NM_000256.3(MYBPC3):c.773-14C>T

Gene: MYBPC3 (myosin binding protein C3; minus strand). Cytogenetic location: 11p11.2.
Variant type: single nucleotide variant.
Coding change: c.773-14C>T on transcript NM_000256.3 (MANE Select); 14 bases into the intron before coding-DNA position 773, C replaced by T.
Molecular consequence: intron variant.
Genome position (GRCh38, 1-based): chr11:47,347,919, G>A on the plus strand (C>T on the coding strand, the complement: MYBPC3 is on the minus strand). VCF-style: chr11-47347919-G-A. GRCh37 (hg19) VCF-style: chr11-47369470-G-A.
Identifiers: ClinVar variation 919957 (VCV000919957.10), dbSNP rs752062035, ClinGen allele CA056762.
Genomic context (GRCh38, chr11:47,347,919, plus strand): 5'-GCGGCGGAAGGCTGATAGGAGGTCCAGGTCTCCGGTGCCCATGGCCTCTGGGTTCAAAGG[G>A]TGGAGAGATGGGGGAAGGGGCTTCAGAGGGGGCCGTTTGAGAAGCCCTGCCCTGGGGGCG-3'